The following is an entry in ClinVar:

ClinVar aggregate classification (germline): Pathogenic/Likely pathogenic. Review status: criteria provided, multiple submitters, no conflicts (2 of 4 stars). 4 submissions from 4 submitters: Pathogenic (1); Likely pathogenic (3). Last evaluated 2025-12-15.

Conditions:
Propionic acidemia (PROP). Also called: GLYCINEMIA, KETOTIC; HYPERGLYCINEMIA WITH KETOACIDOSIS AND LEUKOPENIA; KETOTIC HYPERGLYCINEMIA. Identifiers: Orphanet 35, MedGen C0268579, MONDO:0011628, OMIM 606054, HP:0003571.

Allele frequency attached by ClinVar (database versions not stated): ExAC 0.00001.
gnomAD v4.1: 2 of 1,598,668 alleles (0.00013%); highest among the groups gnomAD compares: East Asian, 0.0045%; no homozygotes.

Submissions (4):

Natera, Inc.
Classification: Likely pathogenic for Propionic acidemia. Last evaluated: 2025-12-15. Review status: criteria provided, single submitter. Criteria: Natera Variant Classification Schema (03/2026). Collection method: clinical testing. Allele origin: germline.
Comment: The c.1196C>G variant in PCCB is a missense variant predicted to cause substitution of proline to arginine at amino acid 399. This variant is rare in the general population with a frequency below the threshold expected for the associated phenotype(s). This variant has been observed in one or more individuals affected with the associated recessive disease, as either homozygous or compound heterozygous with a second variant (PMID: 33028371). This variant has been identified in one or more affected individual with a phenotype highly consistent with the associated gene (PMID: 33028371). Computational prediction algorithms indicate this variant is likely to affect gene or protein function. Given the available evidence, this variant is classified as Likely Pathogenic.

Labcorp Genetics (formerly Invitae), Labcorp
Classification: Pathogenic for Propionic acidemia. Last evaluated: 2025-11-28. Review status: criteria provided, single submitter. Criteria: Invitae Variant Classification Sherloc (09022015). Collection method: clinical testing. Allele origin: germline.
Comment: This sequence change replaces proline, which is neutral and non-polar, with arginine, which is basic and polar, at codon 399 of the PCCB protein (p.Pro399Arg). This variant is present in population databases (rs753037539, gnomAD 0.01%). This missense change has been observed in individual(s) with propionic acidemia (PMID: 33028371; internal data). In at least one individual the data is consistent with being in trans (on the opposite chromosome) from a pathogenic variant. It has also been observed to segregate with disease in related individuals. ClinVar contains an entry for this variant (Variation ID: 1687539). An algorithm developed to predict the effect of missense changes on protein structure and function (PolyPhen-2) suggests that this variant is likely to be disruptive. For these reasons, this variant has been classified as Pathogenic.

Women's Health and Genetics/Laboratory Corporation of America, LabCorp
Classification: Likely pathogenic for Propionic acidemia. Last evaluated: 2025-04-22. Review status: criteria provided, single submitter. Criteria: LabCorp Variant Classification Summary - May 2015. Collection method: clinical testing. Allele origin: germline.
Comment: Variant summary: PCCB c.1196C>G (p.Pro399Arg) results in a non-conservative amino acid change located in the Acetyl-coenzyme A carboxyltransferase, C-terminal domain (IPR011763) of the encoded protein sequence. Five of five in-silico tools predict a damaging effect of the variant on protein function. Consensus agreement among computation tools predict no significant impact on normal splicing. However, these predictions have yet to be confirmed by functional studies. The variant allele was found at a frequency of 8e-06 in 251390 control chromosomes. c.1196C>G has been observed as a biallelic genotype in individual(s) affected with Propionic Acidemia (example Dai_2020, internal testing). To our knowledge, no experimental evidence demonstrating an impact on protein function has been reported. The following publication has been ascertained in the context of this evaluation (PMID: 33028371). ClinVar contains an entry for this variant (Variation ID: 1687539). Based on the evidence outlined above, the variant was classified as likely pathogenic.

3billion
Classification: Likely pathogenic for Propionic acidemia. Last evaluated: 2022-05-22. Review status: criteria provided, single submitter. Criteria: ACMG Guidelines, 2015. Collection method: clinical testing. Allele origin: germline. Affected: yes. Observed: 1 heterozygote.
Comment: The variant is observed at an extremely low frequency in the gnomAD v2.1.1 dataset (total allele frequency: <0.001%). Functional studies provide moderate evidence of the variant having a damaging effect on the gene or gene product (PMID:33028371). In silico tool predictions suggest damaging effect of the variant on gene or gene product (REVEL: 0.94; 3Cnet: 0.91). Same nucleotide change resulting in same amino acid change has been previously reported to be associated with PCCB related disorder (PMID: 33028371). The variant has been reported to be in trans with a pathogenic variant as either compound heterozygous or homozygous in at least one similarly affected unrelated individual (PMID: 33028371). Therefore, this variant is classified as likely pathogenic according to the recommendation of ACMG/AMP guideline.

Literature cited by the submitters: PubMed 33028371 (cited by 4 submitters).

NM_000532.5(PCCB):c.1196C>G (p.Pro399Arg)

Gene: PCCB (propionyl-CoA carboxylase subunit beta; plus strand). Cytogenetic location: 3q22.3.
Variant type: single nucleotide variant.
Coding change: c.1196C>G on transcript NM_000532.5 (MANE Select); coding-DNA position 1196, C replaced by G.
Protein change: p.Pro399Arg; replaces proline 399 with arginine.
Molecular consequence: missense variant.
Genome position (GRCh38, 1-based): chr3:136,326,908, C>G. VCF-style: chr3-136326908-C-G. GRCh37 (hg19) VCF-style: chr3-136045750-C-G.
Other names: c.1196C>G (NM_000532.4); c.1256C>G, p.Pro419Arg (NM_001178014.2); short protein forms P399R, P419R.
Identifiers: ClinVar variation 1687539 (VCV001687539.8), dbSNP rs753037539, ClinGen allele CA2632034.